The following is an entry in ClinVar:

ClinVar aggregate classification (germline): Uncertain significance (1 of 4 stars; one submission).

Allele frequency attached by ClinVar (database versions not stated): gnomAD exomes below 0.00001; TOPMed 0.00001.

Submission:

Labcorp Genetics (formerly Invitae), Labcorp
Classification: Uncertain significance. Last evaluated: 2023-06-20. Review status: criteria provided, single submitter. Criteria: Invitae Variant Classification Sherloc (09022015). Collection method: clinical testing. Allele origin: germline.
Comment: The frequency data for this variant in the population databases is considered unreliable, as metrics indicate poor data quality at this position in the gnomAD database. This sequence change replaces aspartic acid, which is acidic and polar, with asparagine, which is neutral and polar, at codon 392 of the CRAT protein (p.Asp392Asn). In summary, the available evidence is currently insufficient to determine the role of this variant in disease. Therefore, it has been classified as a Variant of Uncertain Significance. Advanced modeling of protein sequence and biophysical properties (such as structural, functional, and spatial information, amino acid conservation, physicochemical variation, residue mobility, and thermodynamic stability) performed at Invitae indicates that this missense variant is not expected to disrupt CRAT protein function. This variant has not been reported in the literature in individuals affected with CRAT-related conditions.

NM_000755.5(CRAT):c.1174G>A (p.Asp392Asn)

Gene: CRAT (carnitine O-acetyltransferase; minus strand). Cytogenetic location: 9q34.11.
Variant type: single nucleotide variant.
Coding change: c.1174G>A on transcript NM_000755.5 (MANE Select); coding-DNA position 1174, G replaced by A.
Protein change: p.Asp392Asn; replaces aspartic acid 392 with asparagine.
Molecular consequence: missense variant.
Genome position (GRCh38, 1-based): chr9:129,098,562, C>T on the plus strand (G>A on the coding strand, the complement: CRAT is on the minus strand). VCF-style: chr9-129098562-C-T. GRCh37 (hg19) VCF-style: chr9-131860841-C-T.
Other names: c.1111G>A, p.Asp371Asn (NM_001257363.3, NM_001346548.2, NM_004003.4); c.1177G>A, p.Asp393Asn (NM_001346546.2); c.1174G>A, p.Asp392Asn (NM_001346547.2); c.1054G>A, p.Asp352Asn (NM_001346549.2); short protein forms D352N, D392N, D393N, D371N.
Identifiers: ClinVar variation 3003397 (VCV003003397.3), dbSNP rs760934837, ClinGen allele CA200476901.
Genomic context (GRCh38, chr9:129,098,562, plus strand): 5'-GCACAGGGATGGCGGGGGCAGGCACTTACATGCTGAGGTTCTGCTTGGCCTTCTCGATGT[C>T]GCTCTTGATCTCGGGGGTGATGTTGAACCGCAGCTTCTTGGGCATGGGCAGGGGCACCAG-3'
Protein context (NP_000746.3, residues 382-402): RFNITPEIKS[Asp392Asn]IEKAKQNLSI